The following is an entry in ClinVar:

ClinVar aggregate classification (germline): Pathogenic. Review status: criteria provided, multiple submitters, no conflicts (2 of 4 stars). 4 submissions from 4 submitters: Pathogenic (4). Last evaluated 2026-04-23.

Conditions:
Familial cancer of breast. Also called: Hereditary breast cancer; hereditary breast carcinoma; BREAST CANCER, FAMILIAL. Identifiers: Orphanet 227535, MedGen C0346153, MONDO:0016419, OMIM 114480. Disease mechanism: loss of function.
Hereditary cancer-predisposing syndrome. Also called: Tumor predisposition; Hereditary Cancer Syndrome; Hereditary neoplastic syndrome; Neoplastic Syndromes, Hereditary. Identifiers: Orphanet 140162, MedGen C0027672, MeSH D009386, MONDO:0015356.

Submissions (4):

Myriad Genetics, Inc.
Classification: Pathogenic for Familial cancer of breast. Last evaluated: 2026-04-23. Review status: criteria provided, single submitter. Criteria: Myriad Autosomal Dominant, Autosomal Recessive and X-Linked Classification Criteria (2023). Collection method: clinical testing. Allele origin: unknown.
Comment: This variant is considered pathogenic. This variant creates a frameshift predicted to result in premature protein truncation.

Labcorp Genetics (formerly Invitae), Labcorp
Classification: Pathogenic for Familial cancer of breast. Last evaluated: 2025-07-23. Review status: criteria provided, single submitter. Criteria: Invitae Variant Classification Sherloc (09022015). Collection method: clinical testing. Allele origin: germline.
Comment: This sequence change creates a premature translational stop signal (p.Val925Alafs*4) in the PALB2 gene. It is expected to result in an absent or disrupted protein product. Loss-of-function variants in PALB2 are known to be pathogenic (PMID: 17200668, 17200671, 17200672, 24136930, 25099575). This variant is not present in population databases (gnomAD no frequency). This variant has not been reported in the literature in individuals affected with PALB2-related conditions. ClinVar contains an entry for this variant (Variation ID: 803232). Algorithms developed to predict the effect of sequence changes on RNA splicing suggest that this variant may disrupt the consensus splice site. For these reasons, this variant has been classified as Pathogenic.

Ambry Genetics
Classification: Pathogenic for Hereditary cancer-predisposing syndrome. Last evaluated: 2024-10-30. Review status: criteria provided, single submitter. Criteria: Ambry Variant Classification Scheme 2023. Collection method: clinical testing. Allele origin: germline.
Comment: The c.2770_2773dupCCAG pathogenic mutation, located in coding exon 8 of the PALB2 gene, results from a duplication of CCAG at nucleotide position 2770, causing a translational frameshift with a predicted alternate stop codon (p.V925Afs*4). This variant is considered to be rare based on population cohorts in the Genome Aggregation Database (gnomAD). This alteration is expected to result in loss of function by premature protein truncation or nonsense-mediated mRNA decay. As such, this alteration is interpreted as a disease-causing mutation.

Mendelics
Classification: Pathogenic for Familial cancer of breast. Last evaluated: 2019-05-28. Review status: criteria provided, single submitter. Criteria: Mendelics Assertion Criteria 2017. Collection method: clinical testing. Allele origin: unknown.

Literature cited by the submitters: PubMed 17200668 (cited by Labcorp Genetics (formerly Invitae), Labcorp); PubMed 17200671 (cited by Labcorp Genetics (formerly Invitae), Labcorp); PubMed 17200672 (cited by Labcorp Genetics (formerly Invitae), Labcorp); PubMed 24136930 (cited by Labcorp Genetics (formerly Invitae), Labcorp); PubMed 25099575 (cited by Labcorp Genetics (formerly Invitae), Labcorp).

NM_024675.4(PALB2):c.2770_2773dup (p.Val925fs)

Gene: PALB2 (partner and localizer of BRCA2; minus strand). Cytogenetic location: 16p12.2.
Variant type: Duplication.
Coding change: c.2770_2773dup on transcript NM_024675.4 (MANE Select); coding-DNA positions 2770 to 2773, 4 bases duplicated (CCAG; older notation c.2770_2773dupCCAG).
Protein change: p.Val925fs; shifts the reading frame from valine 925.
Molecular consequence: frameshift variant.
Genome position (GRCh38, 1-based): chr16:23,624,070-23,624,073, CTGG duplicated on the plus strand (CCAG on the coding strand, the reverse complement: PALB2 is on the minus strand). VCF-style (leftmost placement, unchanged base first): chr16-23624069-A-ACTGG. GRCh37 (hg19) VCF-style: chr16-23635390-A-ACTGG.
Other names: short protein forms V925fs.
Identifiers: ClinVar variation 803232 (VCV000803232.13), dbSNP rs1597082866, ClinGen allele CA915949173.